The following is an entry in ClinVar:

ClinVar aggregate classification (germline): Conflicting classifications of pathogenicity. Review status: criteria provided, conflicting classifications (1 of 4 stars). 5 submissions from 5 submitters: Uncertain significance (4); Likely benign (1). Last evaluated 2025-11-08.

Conditions:
Inborn genetic diseases. Identifiers: MedGen C0950123, MeSH D030342.
Glycogen storage disease IXd (GSD9D). Also called: GSD IXd; Muscle Phosphorylase Kinase Deficiency. Identifiers: Orphanet 715, MedGen C1845151, MONDO:0010362, OMIM 300559.

Allele frequency attached by ClinVar (database versions not stated): gnomAD 0.00004 and 0.00006; gnomAD exomes 0.00004 and 0.00006; TOPMed 0.00005; ExAC 0.00007.
gnomAD v4.1: 52 of 1,196,301 alleles (0.0043%); highest among the groups gnomAD compares: Non-Finnish European, 0.0048%; no homozygotes.

Submissions (5):

Ambry Genetics
Classification: Uncertain significance for Inborn genetic diseases. Last evaluated: 2025-11-08. Review status: criteria provided, single submitter. Criteria: Ambry Variant Classification Scheme 2023. Collection method: clinical testing. Allele origin: germline.

Labcorp Genetics (formerly Invitae), Labcorp
Classification: Uncertain significance for Glycogen storage disease IXd. Last evaluated: 2024-10-09. Review status: criteria provided, single submitter. Criteria: Invitae Variant Classification Sherloc (09022015). Collection method: clinical testing. Allele origin: germline.
Comment: This sequence change replaces arginine, which is basic and polar, with histidine, which is basic and polar, at codon 1050 of the PHKA1 protein (p.Arg1050His). This variant is present in population databases (rs782453258, gnomAD 0.008%). This variant has not been reported in the literature in individuals affected with PHKA1-related conditions. ClinVar contains an entry for this variant (Variation ID: 915258). An algorithm developed to predict the effect of missense changes on protein structure and function (PolyPhen-2) suggests that this variant¬†is likely to be tolerated. In summary, the available evidence is currently insufficient to determine the role of this variant in disease. Therefore, it has been classified as a Variant of Uncertain Significance.

Mayo Clinic Laboratories, Mayo Clinic
Classification: Uncertain significance. Last evaluated: 2023-06-14. Review status: criteria provided, single submitter. Criteria: ACMG Guidelines, 2015. Collection method: clinical testing. Allele origin: germline. Observed: 1 variant allele.
Comment: PP3

Department of Pathology and Laboratory Medicine, Sinai Health System
Classification: Uncertain significance for Glycogen storage disease IXd. Last evaluated: 2021-11-02. Review status: criteria provided, single submitter. Criteria: ACMG Guidelines, 2015. Collection method: research. Allele origin: germline.

Illumina Laboratory Services, Illumina
Classification: Likely benign for Glycogen storage disease IXd. Last evaluated: 2018-01-13. Review status: criteria provided, single submitter. Criteria: ICSL Variant Classification Criteria 13 December 2019. Collection method: clinical testing. Allele origin: germline.
Comment: This variant was observed in the ICSL laboratory as part of a predisposition screen in an ostensibly healthy population. It had not been previously curated by ICSL or reported in the Human Gene Mutation Database (HGMD: prior to June 1st, 2018), and was therefore a candidate for classification through an automated scoring system. Utilizing variant allele frequency, disease prevalence and penetrance estimates, and inheritance mode, an automated score was calculated to assess if this variant is too frequent to cause the disease. Based on the score and internal cut-off values, a variant classified as likely benign is not then subjected to further curation. The score for this variant resulted in a classification of likely benign for this disease.

NM_002637.4(PHKA1):c.3149G>A (p.Arg1050His)

Gene: PHKA1 (phosphorylase kinase regulatory subunit alpha 1; minus strand). Cytogenetic location: Xq13.1.
Variant type: single nucleotide variant.
Coding change: c.3149G>A on transcript NM_002637.4 (MANE Select); coding-DNA position 3149, G replaced by A.
Protein change: p.Arg1050His; replaces arginine 1050 with histidine.
Molecular consequence: missense variant.
Genome position (GRCh38, 1-based): chrX:72,593,198, C>T on the plus strand (G>A on the coding strand, the complement: PHKA1 is on the minus strand). VCF-style: chrX-72593198-C-T. GRCh37 (hg19) VCF-style: chrX-71813048-C-T.
Other names: p.Arg1050His; c.3110G>A, p.Arg1037His (NM_001122670.2); c.2933G>A, p.Arg978His (NM_001172436.2); short protein forms R1050H, R978H, R1037H.
Identifiers: ClinVar variation 915258 (VCV000915258.11), dbSNP rs782453258, ClinGen allele CA10450518.